The following is an entry in ClinVar:

ClinVar aggregate classification (germline): Uncertain significance (1 of 4 stars; one submission).

Conditions:
Hereditary spastic paraplegia. Also called: Familial spastic paraparesis. Identifiers: Orphanet 685, MedGen C0037773, MONDO:0019064. Disease mechanism: loss of function.

Submission:

Labcorp Genetics (formerly Invitae), Labcorp
Classification: Uncertain significance for Hereditary spastic paraplegia. Last evaluated: 2022-05-02. Review status: criteria provided, single submitter. Criteria: Invitae Variant Classification Sherloc (09022015). Collection method: clinical testing. Allele origin: germline.
Comment: In summary, the available evidence is currently insufficient to determine the role of this variant in disease. Therefore, it has been classified as a Variant of Uncertain Significance. Algorithms developed to predict the effect of missense changes on protein structure and function are either unavailable or do not agree on the potential impact of this missense change (SIFT: "Tolerated"; PolyPhen-2: "Probably Damaging"; Align-GVGD: "Class C0"). This variant has not been reported in the literature in individuals affected with USP8-related conditions. This variant is not present in population databases (gnomAD no frequency). This sequence change replaces leucine, which is neutral and non-polar, with valine, which is neutral and non-polar, at codon 995 of the USP8 protein (p.Leu995Val).

NM_005154.5(USP8):c.2983C>G (p.Leu995Val)

Genes: USP50 (ubiquitin specific peptidase 50; minus strand), USP8 (ubiquitin specific peptidase 8; plus strand). Cytogenetic location: 15q21.2.
Variant type: single nucleotide variant.
Coding change: c.2983C>G on transcript NM_005154.5 (MANE Select); coding-DNA position 2983, C replaced by G.
Protein change: p.Leu995Val; replaces leucine 995 with valine.
Molecular consequence: missense variant.
Genome position (GRCh38, 1-based): chr15:50,497,176, C>G. VCF-style: chr15-50497176-C-G. GRCh37 (hg19) VCF-style: chr15-50789373-C-G.
Other names: c.2983C>G, p.Leu995Val (NM_001128610.3); c.2665C>G, p.Leu889Val (NM_001283049.2); short protein forms L889V, L995V.
Identifiers: ClinVar variation 2133028 (VCV002133028.4), dbSNP rs2542005706, ClinGen allele CA392403970.
Genomic context (GRCh38, chr15:50,497,176, plus strand): 5'-GAAAAACTCACAGATAACAACAGATTTTACTGCAGTCATTGCAGAGCTCGACGGGATTCT[C>G]TAAAAAAGATAGAAATCTGGAAGTTACCACCTGTGCTTTTAGTGCATCTGAAACGGTAAA-3'
Protein context (NP_005145.3, residues 985-1005): CSHCRARRDS[Leu995Val]KKIEIWKLPP